The following is an entry in ClinVar:

ClinVar aggregate classification (germline): Pathogenic (1 of 4 stars; one submission).

Conditions:
Combined immunodeficiency due to LRBA deficiency. Also called: Common variable immunodeficiency 8, with autoimmunity. Identifiers: Orphanet 445018, MedGen C3553512, MONDO:0013863, OMIM 614700.

Submission:

Labcorp Genetics (formerly Invitae), Labcorp
Classification: Pathogenic for Combined immunodeficiency due to LRBA deficiency. Last evaluated: 2025-05-04. Review status: criteria provided, single submitter. Criteria: Invitae Variant Classification Sherloc (09022015). Collection method: clinical testing. Allele origin: germline.
Comment: This sequence change creates a premature translational stop signal (p.Gln2494*) in the LRBA gene. It is expected to result in an absent or disrupted protein product. Loss-of-function variants in LRBA are known to be pathogenic (PMID: 26206937, 26768763). This variant is present in population databases (no rsID available, gnomAD 0.003%). This variant has not been reported in the literature in individuals affected with LRBA-related conditions. ClinVar contains an entry for this variant (Variation ID: 3692597). Algorithms developed to predict the effect of sequence changes on RNA splicing suggest that this variant may create or strengthen a splice site. For these reasons, this variant has been classified as Pathogenic.

Literature cited by the submitters: PubMed 26206937; PubMed 26768763.

NM_001364905.1(LRBA):c.7447C>T (p.Gln2483Ter)

Gene: LRBA (LPS responsive beige-like anchor protein; minus strand). Cytogenetic location: 4q31.3.
Variant type: single nucleotide variant.
Coding change: c.7447C>T on transcript NM_001364905.1 (MANE Select); coding-DNA position 7447, C replaced by T.
Protein change: p.Gln2483Ter; replaces glutamine 2483 with a stop codon.
Molecular consequence: nonsense.
Genome position (GRCh38, 1-based): chr4:150,325,814, G>A on the plus strand (C>T on the coding strand, the complement: LRBA is on the minus strand). VCF-style: chr4-150325814-G-A. GRCh37 (hg19) VCF-style: chr4-151246966-G-A.
Other names: c.7447C>T, p.Gln2483Ter (NM_001199282.3, NM_001367550.1); c.7480C>T, p.Gln2494Ter (NM_006726.5); short protein forms Q2494*, Q2483*.
Identifiers: ClinVar variation 3692597 (VCV003692597.2).